The following is an entry in ClinVar:

ClinVar aggregate classification (germline): Likely benign. Review status: criteria provided, single submitter (1 of 4 stars). 2 submissions from 2 submitters: Likely benign (1). 1 of the submissions does not count toward it. Last evaluated 2025-05-16.

Conditions:
Hereditary cancer-predisposing syndrome. Also called: Hereditary Cancer Syndrome; Hereditary neoplastic syndrome; Neoplastic Syndromes, Hereditary; Tumor predisposition. Identifiers: Orphanet 140162, MedGen C0027672, MeSH D009386, MONDO:0015356.
Familial cancer of breast. Also called: BREAST CANCER, FAMILIAL; Hereditary breast cancer; hereditary breast carcinoma. Identifiers: Orphanet 227535, MedGen C0346153, MONDO:0016419, OMIM 114480. Disease mechanism: loss of function.

Submissions (2):

Ambry Genetics
Classification: Likely benign for Hereditary cancer-predisposing syndrome. Last evaluated: 2025-05-16. Review status: criteria provided, single submitter. Criteria: Ambry Variant Classification Scheme 2023. Collection method: clinical testing. Allele origin: germline.

Center of Medical Genetics and Primary Health Care
Classification: Likely pathogenic for Familial cancer of breast. Last evaluated: 2020-04-08. Review status: no assertion criteria provided. Collection method: research. Allele origin: germline. Affected: yes. Observed: 1 heterozygote. Not counted in ClinVar's aggregate classification.
Comment: ACMG Guidelines 2015 criteria PM1 Pathogenic Moderate: 2 functional domains â€“ a nucleic acid-binding OB-fold (R2669-3184L aa), which functions as ssDNA binding and nucleic acid recognition site; and the Tower domain (M2831-2967T aa) with a major role in tumor suppression and DNA binding. Hot-spot has 29 non-VUS coding variants (16 pathogenic and 13 benign), pathogenicity = 55.2%, proximity score 6.295 > threshold 2.472. PM2 Pathogenic Moderate: Variant not found in GnomAD exomes. Variant not found in GnomAD genomes. PP3 Pathogenic Supporting: 7 pathogenic predictions from DANN, EIGEN, FATHMM-MKL, M-CAP, MutationTaster, PrimateAI and SIFT vs 2 benign predictions from MVP and REVEL. Therefore, this variant was classified as a Likely Pathogenic.

Literature cited by the submitters: PubMed 33558524 (cited by Ambry Genetics).

NM_000059.4(BRCA2):c.8851G>T (p.Ala2951Ser)

Gene: BRCA2 (BRCA2 DNA repair associated; plus strand). Cytogenetic location: 13q13.1.
Variant type: single nucleotide variant.
Coding change: c.8851G>T on transcript NM_000059.4 (MANE Select); coding-DNA position 8851, G replaced by T.
Protein change: p.Ala2951Ser; replaces alanine 2951 with serine.
Molecular consequence: missense variant.
Genome position (GRCh38, 1-based): chr13:32,379,413, G>T. VCF-style: chr13-32379413-G-T. GRCh37 (hg19) VCF-style: chr13-32953550-G-T.
Other names: short protein forms A2951S.
Identifiers: ClinVar variation 441405 (VCV000441405.13), dbSNP rs11571769, ClinGen allele CA387756284.
Genomic context (GRCh38, chr13:32,379,413, plus strand): 5'-AATCACAGGCAAATGTTGAATGATAAGAAACAAGCTCAGATCCAGTTGGAAATTAGGAAG[G>T]CCATGGAATCTGCTGAACAAAAGGAACAAGGTTTATCAAGGGATGTCACAACCGTGTGGA-3'
Protein context (NP_000050.3, residues 2941-2961): QAQIQLEIRK[Ala2951Ser]MESAEQKEQG